The following is an entry in ClinVar:

ClinVar aggregate classification (germline): Conflicting classifications of pathogenicity. Review status: criteria provided, conflicting classifications (1 of 4 stars). 6 submissions from 6 submitters: Uncertain significance (1); Likely benign (4). 1 of the submissions does not count toward it. Last evaluated 2026-09-01.

Conditions:
TH-deficient dopa-responsive dystonia. Also called: DYT-TH; Tyrosine Hydroxylase-Deficient Dopa-Responsive Dystonia; Segawa syndrome, autosomal recessive. Identifiers: Orphanet 101150, MedGen C2673535, MONDO:0011551, OMIM 605407.

Allele frequency attached by ClinVar (database versions not stated): 1000 Genomes Project 30x 0.00016; 1000 Genomes Project 0.00020; ExAC 0.00032; TOPMed 0.00038; gnomAD 0.00041 and 0.00042; ESP Exome Variant Server 0.00046; gnomAD exomes 0.00052.
gnomAD v4.1: 821 of 1,611,876 alleles (0.051%); highest among the groups gnomAD compares: Non-Finnish European, 0.063%; 1 homozygote.

Submissions (6):

CeGaT Center for Human Genetics Tuebingen
Classification: Likely benign. Last evaluated: 2026-09-01. Review status: criteria provided, single submitter. Criteria: CeGaT Center For Human Genetics Tuebingen Variant Classification Criteria Version 2. Collection method: clinical testing. Allele origin: germline. Affected: yes. Observed: 3 variant alleles.
Comment: TH: BP4, BP7

Labcorp Genetics (formerly Invitae), Labcorp
Classification: Likely benign for TH-deficient dopa-responsive dystonia. Last evaluated: 2026-01-28. Review status: criteria provided, single submitter. Criteria: Invitae Variant Classification Sherloc (09022015). Collection method: clinical testing. Allele origin: germline.

Mayo Clinic Laboratories, Mayo Clinic
Classification: Likely benign. Last evaluated: 2025-12-18. Review status: criteria provided, single submitter. Criteria: ACMG Guidelines, 2015. Collection method: clinical testing. Allele origin: germline. Observed: 1 variant allele.
Comment: BP4, BP7

Blueprint Genetics
Classification: Likely benign. Last evaluated: 2024-08-15. Review status: criteria provided, single submitter. Criteria: ACMG Guidelines, 2015. Collection method: clinical testing. Allele origin: germline.

Illumina Laboratory Services, Illumina
Classification: Uncertain significance for TH-deficient dopa-responsive dystonia. Last evaluated: 2018-01-12. Review status: criteria provided, single submitter. Criteria: ICSL Variant Classification Criteria 13 December 2019. Collection method: clinical testing. Allele origin: germline.

Natera, Inc.
Classification: Likely benign for Autosomal recessive Segawa syndrome. Last evaluated: 2020-06-02. Review status: no assertion criteria provided. Collection method: clinical testing. Allele origin: germline. Not counted in ClinVar's aggregate classification.

NM_000360.4(TH):c.363G>A (p.Pro121=)

Gene: TH (tyrosine hydroxylase; minus strand). Cytogenetic location: 11p15.5.
Variant type: single nucleotide variant.
Coding change: c.363G>A on transcript NM_000360.4 (MANE Select); coding-DNA position 363, G replaced by A.
Protein change: p.Pro121=; no amino-acid change (proline 121 retained).
Molecular consequence: synonymous variant.
Genome position (GRCh38, 1-based): chr11:2,168,615, C>T on the plus strand (G>A on the coding strand, the complement: TH is on the minus strand). VCF-style: chr11-2168615-C-T. GRCh37 (hg19) VCF-style: chr11-2189845-C-T.
Other names: p.Pro152=; c.456G>A, p.Pro152= (NM_199292.3); c.444G>A, p.Pro148= (NM_199293.3).
Identifiers: ClinVar variation 304080 (VCV000304080.39), dbSNP rs370429316, ClinGen allele CA5818694.